The following is an entry in ClinVar:

NM_030667.3(PTPRO):c.1578T>C (p.Phe526=)

Gene: PTPRO (protein tyrosine phosphatase receptor type O; plus strand). Cytogenetic location: 12p12.3.
Variant type: single nucleotide variant.
Coding change: c.1578T>C on transcript NM_030667.3 (MANE Select); coding-DNA position 1578, T replaced by C.
Protein change: p.Phe526=; no amino-acid change (phenylalanine 526 retained).
Molecular consequence: synonymous variant.
Genome position (GRCh38, 1-based): chr12:15,515,611, T>C. VCF-style: chr12-15515611-T-C. GRCh37 (hg19) VCF-style: chr12-15668545-T-C.
Other names: c.1578T>C, p.Phe526= (NM_002848.4); c.1578T>C (NM_030667.2).
Identifiers: ClinVar variation 2048493 (VCV002048493.8), dbSNP rs755074605, ClinGen allele CA6466540.

ClinVar aggregate classification (germline): Conflicting classifications of pathogenicity. Review status: criteria provided, conflicting classifications (1 of 4 stars). 4 submissions from 4 submitters: Uncertain significance (1); Likely benign (2). 1 of the submissions does not count toward it. Last evaluated 2025-02-13.

Conditions:
Nephrotic syndrome, type 6 (NPHS6). Identifiers: Orphanet 656, MedGen C3280100, MONDO:0013619, OMIM 614196.
PTPRO-related disorder. Also called: PTPRO-related condition.

Allele frequency attached by ClinVar (database versions not stated): TOPMed 0.00003; gnomAD 0.00003; gnomAD exomes 0.00008; ExAC 0.00010.
gnomAD v4.1: 122 of 1,613,934 alleles (0.0076%); highest among the groups gnomAD compares: South Asian, 0.045%; no homozygotes.

Submissions (4):

Ambry Genetics
Classification: Likely benign. Last evaluated: 2025-02-13. Review status: criteria provided, single submitter. Criteria: Ambry Variant Classification Scheme 2023. Collection method: clinical testing. Allele origin: germline.

Labcorp Genetics (formerly Invitae), Labcorp
Classification: Likely benign. Last evaluated: 2025-01-20. Review status: criteria provided, single submitter. Criteria: Invitae Variant Classification Sherloc (09022015). Collection method: clinical testing. Allele origin: germline.

Institute of Human Genetics, Cologne University
Classification: Uncertain significance for Nephrotic syndrome, type 6. Last evaluated: 2024-12-30. Review status: criteria provided, single submitter. Criteria: ACMG Guidelines, 2015. Collection method: clinical testing. Allele origin: germline. Affected: yes.

PreventionGenetics, part of Exact Sciences
Classification: Likely benign for PTPRO-related condition. Last evaluated: 2019-05-30. Review status: no assertion criteria provided. Collection method: clinical testing. Allele origin: germline. Not counted in ClinVar's aggregate classification.
Comment: This variant is classified as likely benign based on ACMG/AMP sequence variant interpretation guidelines (Richards et al. 2015 PMID: 25741868, with internal and published modifications).